The following is an entry in ClinVar:

NM_004086.3(COCH):c.1478-11T>G

Genes: COCH (cochlin; plus strand), COCH-AS1 (COCH antisense RNA 1; minus strand). Cytogenetic location: 14q12.
Variant type: single nucleotide variant.
Coding change: c.1478-11T>G on transcript NM_004086.3 (MANE Select); 11 bases into the intron before coding-DNA position 1478, T replaced by G.
Molecular consequence: intron variant. On other transcripts: non-coding transcript variant (1).
Genome position (GRCh38, 1-based): chr14:30,889,605, T>G. VCF-style: chr14-30889605-T-G. GRCh37 (hg19) VCF-style: chr14-31358811-T-G.
Other names: c.1673-11T>G (NM_001347720.2); c.1478-11T>G (NM_001135058.2).
Identifiers: ClinVar variation 3681987 (VCV003681987.2).
Genomic context (GRCh38, chr14:30,889,605, plus strand): 5'-AACATATAGACATAATTCCATATATTAGCTAGACCTGATTTTCAATTCACTTTAAAATGT[T>G]TTCATTGTAGGAATCACTATCTTCTCTGTTGGTGTGGCTTGGGCACCTCTGGATGACCTG-3'

ClinVar aggregate classification (germline): Uncertain significance (1 of 4 stars; one submission).

gnomAD v4.1: 8 of 1,612,712 alleles (0.0005%); highest among the groups gnomAD compares: African/African-American, 0.0093%; no homozygotes.

Submission:

Labcorp Genetics (formerly Invitae), Labcorp
Classification: Uncertain significance. Last evaluated: 2025-06-12. Review status: criteria provided, single submitter. Criteria: Invitae Variant Classification Sherloc (09022015). Collection method: clinical testing. Allele origin: germline.
Comment: This sequence change falls in intron 11 of the COCH gene. It does not directly change the encoded amino acid sequence of the COCH protein. This variant is present in population databases (no rsID available, gnomAD 0.01%). This variant has not been reported in the literature in individuals affected with COCH-related conditions. ClinVar contains an entry for this variant (Variation ID: 3681987). Algorithms developed to predict the effect of sequence changes on RNA splicing suggest that this variant may disrupt the consensus splice site. In summary, the available evidence is currently insufficient to determine the role of this variant in disease. Therefore, it has been classified as a Variant of Uncertain Significance.